The following is an entry in ClinVar:

NM_194463.2(RNF128):c.1031A>G (p.Asn344Ser)

Gene: RNF128 (ring finger protein 128; plus strand). Cytogenetic location: Xq22.3.
Variant type: single nucleotide variant.
Coding change: c.1031A>G on transcript NM_194463.2 (MANE Select); coding-DNA position 1031, A replaced by G.
Protein change: p.Asn344Ser; replaces asparagine 344 with serine.
Molecular consequence: missense variant.
Genome position (GRCh38, 1-based): chrX:106,791,112, A>G. VCF-style: chrX-106791112-A-G. GRCh37 (hg19) VCF-style: chrX-106034342-A-G.
Other names: c.1031A>G (NM_194463.1); c.953A>G, p.Asn318Ser (NM_024539.3); short protein forms N318S, N344S.
Identifiers: ClinVar variation 2661139 (VCV002661139.25), dbSNP rs144714463, ClinGen allele CA10482794.

ClinVar aggregate classification (germline): Conflicting classifications of pathogenicity. Review status: criteria provided, conflicting classifications (1 of 4 stars). 2 submissions from 2 submitters: Uncertain significance (1); Likely benign (1). Last evaluated 2024-08-05.

Allele frequency attached by ClinVar (database versions not stated): ExAC 0.00003; gnomAD 0.00005; TOPMed 0.00007; ESP Exome Variant Server 0.00009; gnomAD exomes 0.00014; 1000 Genomes Project 0.00026; 1000 Genomes Project 30x 0.00042.
gnomAD v4.1: 160 of 1,206,603 alleles (0.013%); highest among the groups gnomAD compares: Middle Eastern, 0.23%; no homozygotes.

Submissions (2):

Ambry Genetics
Classification: Uncertain significance. Last evaluated: 2024-08-05. Review status: criteria provided, single submitter. Criteria: Ambry Variant Classification Scheme 2023. Collection method: clinical testing. Allele origin: germline.

CeGaT Center for Human Genetics Tuebingen
Classification: Likely benign. Last evaluated: 2022-04-01. Review status: criteria provided, single submitter. Criteria: CeGaT Center For Human Genetics Tuebingen Variant Classification Criteria Version 2. Collection method: clinical testing. Allele origin: germline. Affected: yes. Observed: 1 variant allele.
Comment: RNF128: BP4